The following is an entry in ClinVar:

ClinVar aggregate classification (germline): Likely benign. Review status: criteria provided, multiple submitters, no conflicts (2 of 4 stars). 2 submissions from 2 submitters: Likely benign (2). Last evaluated 2025-10-29.

Allele frequency attached by ClinVar (database versions not stated): gnomAD exomes below 0.00001 and 0.00001; ExAC 0.00001.
gnomAD v4.1: 3 of 1,210,588 alleles (0.00025%); highest among the groups gnomAD compares: Non-Finnish European, 0.00034%; no homozygotes.

Submissions (2):

Labcorp Genetics (formerly Invitae), Labcorp
Classification: Likely benign. Last evaluated: 2025-10-29. Review status: criteria provided, single submitter. Criteria: Invitae Variant Classification Sherloc (09022015). Collection method: clinical testing. Allele origin: germline.

CeGaT Center for Human Genetics Tuebingen
Classification: Likely benign. Last evaluated: 2023-01-01. Review status: criteria provided, single submitter. Criteria: CeGaT Center For Human Genetics Tuebingen Variant Classification Criteria Version 2. Collection method: clinical testing. Allele origin: germline. Affected: yes. Observed: 1 variant allele.
Comment: GRIA3: BP4, BP7

NM_007325.5(GRIA3):c.2553G>A (p.Arg851=)

Gene: GRIA3 (glutamate ionotropic receptor AMPA type subunit 3; plus strand). Cytogenetic location: Xq25.
Variant type: single nucleotide variant.
Coding change: c.2553G>A on transcript NM_007325.5 (MANE Select); coding-DNA position 2553, G replaced by A.
Protein change: p.Arg851=; no amino-acid change (arginine 851 retained).
Molecular consequence: synonymous variant.
Genome position (GRCh38, 1-based): chrX:123,482,912, G>A. VCF-style: chrX-123482912-G-A. GRCh37 (hg19) VCF-style: chrX-122616763-G-A.
Other names: c.2553G>A, p.Arg851= (NM_000828.5).
Identifiers: ClinVar variation 1566659 (VCV001566659.31), dbSNP rs779538076, ClinGen allele CA10507197.